The following is an entry in ClinVar:

NM_004006.3(DMD):c.1705-11A>G

Gene: DMD (dystrophin; minus strand). Cytogenetic location: Xp21.1.
Variant type: single nucleotide variant.
Coding change: c.1705-11A>G on transcript NM_004006.3 (MANE Select); 11 bases into the intron before coding-DNA position 1705, A replaced by G.
Molecular consequence: intron variant.
Genome position (GRCh38, 1-based): chrX:32,573,648, T>C on the plus strand (A>G on the coding strand, the complement: DMD is on the minus strand). VCF-style: chrX-32573648-T-C. GRCh37 (hg19) VCF-style: chrX-32591765-T-C.
Other names: c.1681-11A>G (NM_000109.4); c.1693-11A>G (NM_004009.3); c.1336-11A>G (NM_004010.3).
Identifiers: ClinVar variation 2133514 (VCV002133514.5), dbSNP rs2526752153, ClinGen allele CA2580100760.

ClinVar aggregate classification (germline): Uncertain significance. Review status: criteria provided, multiple submitters, no conflicts (2 of 4 stars). 2 submissions from 2 submitters: Uncertain significance (2). Last evaluated 2022-05-04.

Conditions:
Duchenne muscular dystrophy (DMD). Also called: Duchenne Muscular Dystrophy (DMD); MUSCULAR DYSTROPHY, PSEUDOHYPERTROPHIC PROGRESSIVE, DUCHENNE TYPE. Identifiers: Orphanet 98896, MedGen C0013264, MONDO:0010679, OMIM 310200.

Submissions (2):

Labcorp Genetics (formerly Invitae), Labcorp
Classification: Uncertain significance for Duchenne muscular dystrophy. Last evaluated: 2022-05-04. Review status: criteria provided, single submitter. Criteria: Invitae Variant Classification Sherloc (09022015). Collection method: clinical testing. Allele origin: germline.
Comment: In summary, the available evidence is currently insufficient to determine the role of this variant in disease. Therefore, it has been classified as a Variant of Uncertain Significance. Algorithms developed to predict the effect of sequence changes on RNA splicing suggest that this variant may disrupt the consensus splice site. This variant has not been reported in the literature in individuals affected with DMD-related conditions. This variant is not present in population databases (gnomAD no frequency). This sequence change falls in intron 14 of the DMD gene. It does not directly change the encoded amino acid sequence of the DMD protein.

Blueprint Genetics
Classification: Uncertain significance. Last evaluated: 2017-07-19. Review status: criteria provided, single submitter. Criteria: ACMG Guidelines, 2015. Collection method: clinical testing. Allele origin: germline.